The following is an entry in ClinVar:

ClinVar aggregate classification (germline): Uncertain significance (1 of 4 stars; one submission).

Conditions:
Arthrogryposis multiplex congenita 6. Identifiers: MedGen C5543431, MONDO:0030281, OMIM 619334.

Submission:

Department of Paediatric Medicine, Post Graduation Institute of Medical Education and Research
Classification: Uncertain significance for Arthrogryposis multiplex congenita 6. Last evaluated: 2023-03-01. Review status: criteria provided, single submitter. Criteria: ACMG Guidelines, 2015. Collection method: clinical testing. Allele origin: inherited. Inheritance: Autosomal recessive inheritance. Affected: no. Observed: 1 variant allele, 1 heterozygote.
Comment: PM1+PM2+BP1

NM_001164508.2(NEB):c.16809C>A (p.Asp5603Glu)

Gene: NEB (nebulin; minus strand). Cytogenetic location: 2q23.3.
Variant type: single nucleotide variant.
Coding change: c.16809C>A on transcript NM_001164508.2 (MANE Select); coding-DNA position 16809, C replaced by A.
Protein change: p.Asp5603Glu; replaces aspartic acid 5603 with glutamic acid.
Molecular consequence: missense variant.
Genome position (GRCh38, 1-based): chr2:151,576,250, G>T on the plus strand (C>A on the coding strand, the complement: NEB is on the minus strand). VCF-style: chr2-151576250-G-T. GRCh37 (hg19) VCF-style: chr2-152432764-G-T.
Other names: c.16809C>A, p.Asp5603Glu (NM_001164507.2, NM_001271208.2); c.11706C>A, p.Asp3902Glu (NM_004543.5); short protein forms D3902E, D5603E.
Identifiers: ClinVar variation 2431034 (VCV002431034.2), dbSNP rs1359484405, ClinGen allele CA348810520.